The following is an entry in ClinVar:

NM_030930.4(UNC93B1):c.558G>A (p.Met186Ile)

Gene: UNC93B1 (unc-93B1 regulator of TLR signaling; minus strand). Cytogenetic location: 11q13.2.
Variant type: single nucleotide variant.
Coding change: c.558G>A on transcript NM_030930.4 (MANE Select); coding-DNA position 558, G replaced by A.
Protein change: p.Met186Ile; replaces methionine 186 with isoleucine.
Molecular consequence: missense variant.
Genome position (GRCh38, 1-based): chr11:67,999,302, C>T on the plus strand (G>A on the coding strand, the complement: UNC93B1 is on the minus strand). VCF-style: chr11-67999302-C-T. GRCh37 (hg19) VCF-style: chr11-67766772-C-T.
Other names: short protein forms M186I.
Identifiers: ClinVar variation 2161751 (VCV002161751.3), dbSNP rs755226619, ClinGen allele CA6145608.

ClinVar aggregate classification (germline): Uncertain significance. Review status: criteria provided, multiple submitters, no conflicts (2 of 4 stars). 2 submissions from 2 submitters: Uncertain significance (2). Last evaluated 2025-10-07.

Conditions:
Encephalopathy, acute, infection-induced (herpes-specific), susceptibility to, 1. Also called: Herpes simplex encephalitis, susceptibility to, 1. Identifiers: Orphanet 1930, MedGen C2750180, MONDO:0024563, OMIM 610551.

Allele frequency attached by ClinVar (database versions not stated): ExAC 0.00001; gnomAD 0.00001; gnomAD exomes 0.00002.

Submissions (2):

Ambry Genetics
Classification: Uncertain significance. Last evaluated: 2025-10-07. Review status: criteria provided, single submitter. Criteria: Ambry Variant Classification Scheme 2023. Collection method: clinical testing. Allele origin: germline.

Labcorp Genetics (formerly Invitae), Labcorp
Classification: Uncertain significance for Encephalopathy, acute, infection-induced (herpes-specific), susceptibility to, 1. Last evaluated: 2022-06-25. Review status: criteria provided, single submitter. Criteria: Invitae Variant Classification Sherloc (09022015). Collection method: clinical testing. Allele origin: germline.
Comment: In summary, the available evidence is currently insufficient to determine the role of this variant in disease. Therefore, it has been classified as a Variant of Uncertain Significance. Algorithms developed to predict the effect of sequence changes on RNA splicing suggest that this variant may create or strengthen a splice site. This variant has not been reported in the literature in individuals affected with UNC93B1-related conditions. This variant is present in population databases (rs755226619, gnomAD 0.003%). This sequence change replaces methionine, which is neutral and non-polar, with isoleucine, which is neutral and non-polar, at codon 186 of the UNC93B1 protein (p.Met186Ile).